The following is an entry in ClinVar:

NM_005956.4(MTHFD1):c.953+1G>A

Gene: MTHFD1 (methylenetetrahydrofolate dehydrogenase, cyclohydrolase and formyltetrahydrofolate synthetase 1; plus strand). Cytogenetic location: 14q23.3.
Variant type: single nucleotide variant.
Coding change: c.953+1G>A on transcript NM_005956.4 (MANE Select); the canonical splice donor site of the intron after coding-DNA position 953, G replaced by A.
Molecular consequence: splice donor variant.
Genome position (GRCh38, 1-based): chr14:64,425,828, G>A. VCF-style: chr14-64425828-G-A. GRCh37 (hg19) VCF-style: chr14-64892546-G-A.
Other names: c.953+1G>A (NM_001364837.1).
Identifiers: ClinVar variation 1347752 (VCV001347752.8), dbSNP rs778570054, ClinGen allele CA7226076.

ClinVar aggregate classification (germline): Likely pathogenic (1 of 4 stars; one submission).

Allele frequency attached by ClinVar (database versions not stated): gnomAD exomes below 0.00001; ExAC 0.00001; gnomAD 0.00001; TOPMed 0.00001.
gnomAD v4.1: 3 of 1,613,154 alleles (0.00019%); highest among the groups gnomAD compares: Non-Finnish European, 0.00017%; no homozygotes.

Submission:

Labcorp Genetics (formerly Invitae), Labcorp
Classification: Likely pathogenic. Last evaluated: 2024-11-04. Review status: criteria provided, single submitter. Criteria: Invitae Variant Classification Sherloc (09022015). Collection method: clinical testing. Allele origin: germline.
Comment: This sequence change affects a donor splice site in intron 10 of the MTHFD1 gene. It is expected to disrupt RNA splicing. Variants that disrupt the donor or acceptor splice site typically lead to a loss of protein function (PMID: 16199547), and loss-of-function variants in MTHFD1 are known to be pathogenic (PMID: 21813566, 25633902). This variant is present in population databases (rs778570054, gnomAD 0.0009%). This variant has not been reported in the literature in individuals affected with MTHFD1-related conditions. ClinVar contains an entry for this variant (Variation ID: 1347752). Algorithms developed to predict the effect of sequence changes on RNA splicing suggest that this variant may disrupt the consensus splice site. In summary, the currently available evidence indicates that the variant is pathogenic, but additional data are needed to prove that conclusively. Therefore, this variant has been classified as Likely Pathogenic.

Literature cited by the submitters: PubMed 16199547; PubMed 21813566; PubMed 25633902.